The following is an entry in ClinVar:

NM_152558.5(IQCE):c.1179C>G (p.Leu393=)

Gene: IQCE (IQ motif containing E; plus strand). Cytogenetic location: 7p22.3.
Variant type: single nucleotide variant.
Coding change: c.1179C>G on transcript NM_152558.5 (MANE Select); coding-DNA position 1179, C replaced by G.
Protein change: p.Leu393=; no amino-acid change (leucine 393 retained).
Molecular consequence: synonymous variant.
Genome position (GRCh38, 1-based): chr7:2,590,041, C>G. VCF-style: chr7-2590041-C-G. GRCh37 (hg19) VCF-style: chr7-2629675-C-G.
Other names: c.1179C>G, p.Leu393= (NM_001287499.2); c.1131C>G, p.Leu377= (NM_001287500.2, NM_001410865.1); c.984C>G, p.Leu328= (NM_001287501.2, NM_001287502.2).
Identifiers: ClinVar variation 3037323 (VCV003037323.2), dbSNP rs369745813, ClinGen allele CA4129064.

ClinVar aggregate classification (germline): Likely benign (0 of 4 stars; one submission).

Conditions:
IQCE-related disorder. Also called: IQCE-related condition.

Allele frequency attached by ClinVar (database versions not stated): TOPMed 0.00002; ExAC 0.00007; ESP Exome Variant Server 0.00008.
gnomAD v4.1: 8 of 1,613,708 alleles (0.0005%); highest among the groups gnomAD compares: Admixed American, 0.013%; no homozygotes.

Submission:

PreventionGenetics, part of Exact Sciences
Classification: Likely benign for IQCE-related condition. Last evaluated: 2019-05-01. Review status: no assertion criteria provided. Collection method: clinical testing. Allele origin: germline.
Comment: This variant is classified as likely benign based on ACMG/AMP sequence variant interpretation guidelines (Richards et al. 2015 PMID: 25741868, with internal and published modifications).